The following is an entry in ClinVar:

NM_182961.4(SYNE1):c.23358T>A (p.Ser7786Arg)

Gene: SYNE1 (spectrin repeat containing nuclear envelope protein 1; minus strand). Cytogenetic location: 6q25.2.
Variant type: single nucleotide variant.
Coding change: c.23358T>A on transcript NM_182961.4 (MANE Select); coding-DNA position 23358, T replaced by A.
Protein change: p.Ser7786Arg; replaces serine 7786 with arginine.
Molecular consequence: missense variant. On other transcripts: 5 prime UTR variant (1).
Genome position (GRCh38, 1-based): chr6:152,180,238, A>T on the plus strand (T>A on the coding strand, the complement: SYNE1 is on the minus strand). VCF-style: chr6-152180238-A-T. GRCh37 (hg19) VCF-style: chr6-152501373-A-T.
Other names: c.-37T>A (NM_001347701.2); c.23145T>A, p.Ser7715Arg (NM_033071.5); c.23358T>A (NM_182961.2); short protein forms S7715R, S7786R.
Identifiers: ClinVar variation 449263 (VCV000449263.8), dbSNP rs748682472, ClinGen allele CA4053614.
Genomic context (GRCh38, chr6:152,180,238, plus strand): 5'-ATTCTGAGAAACTTTGCTTTCCATTTGAGTCAACCACTCACAGAGTTCCTTGTTCTTTTC[A>T]CTGAAGACTGCCCATTCATTCAATCTTTCACCTATTTGCTGCCGCCTTAAGGAGAGCTGA-3'
Protein context (NP_892006.3, residues 7776-7796): GERLNEWAVF[Ser7786Arg]EKNKELCEWL

ClinVar aggregate classification (germline): Uncertain significance. Review status: criteria provided, multiple submitters, no conflicts (2 of 4 stars). 4 submissions from 4 submitters: Uncertain significance (4). Last evaluated 2026-01-13.

Conditions:
Emery-Dreifuss muscular dystrophy 4, autosomal dominant (EDMD4). Also called: EMERY-DREIFUSS MUSCULAR DYSTROPHY 4 WITH VARIABLE FEATURES. Identifiers: Orphanet 261, MedGen C2751807, MONDO:0013071, OMIM 612998.
Autosomal recessive ataxia, Beauce type. Also called: Spinocerebellar ataxia, autosomal recessive 8; ATAXIA, RECESSIVE, OF BEAUCE; SYNE1-Related Autosomal Recessive Cerebellar Ataxia; SYNE1 Deficiency. Identifiers: Orphanet 88644, MedGen C1853116, MONDO:0012549, OMIM 610743.

Allele frequency attached by ClinVar (database versions not stated): ExAC 0.00001; gnomAD 0.00001 and 0.00002; gnomAD exomes 0.00001; TOPMed 0.00002.
gnomAD v4.1: 90 of 1,613,994 alleles (0.0056%); highest among the groups gnomAD compares: Non-Finnish European, 0.0074%; no homozygotes.

Submissions (4):

Labcorp Genetics (formerly Invitae), Labcorp
Classification: Uncertain significance for Emery-Dreifuss muscular dystrophy 4, autosomal dominant; Autosomal recessive ataxia, Beauce type. Last evaluated: 2026-01-13. Review status: criteria provided, single submitter. Criteria: Invitae Variant Classification Sherloc (09022015). Collection method: clinical testing. Allele origin: germline.
Comment: This sequence change replaces serine, which is neutral and polar, with arginine, which is basic and polar, at codon 7715 of the SYNE1 protein (p.Ser7715Arg). This variant is present in population databases (rs748682472, gnomAD 0.0009%). This variant has not been reported in the literature in individuals affected with SYNE1-related conditions. ClinVar contains an entry for this variant (Variation ID: 449263). An algorithm developed to predict the effect of missense changes on protein structure and function (PolyPhen-2) suggests that this variant is likely to be disruptive. In summary, the available evidence is currently insufficient to determine the role of this variant in disease. Therefore, it has been classified as a Variant of Uncertain Significance.

Athena Diagnostics
Classification: Uncertain significance. Last evaluated: 2023-06-28. Review status: criteria provided, single submitter. Criteria: Athena Diagnostics Criteria. Collection method: clinical testing. Allele origin: unknown.
Comment: Available data are insufficient to determine the clinical significance of the variant at this time. The frequency of this variant in the general population is uninformative in assessment of its pathogenicity. Computational tools disagree on the variant's effect on normal protein function.

Revvity Omics, Revvity
Classification: Uncertain significance. Last evaluated: 2020-11-18. Review status: criteria provided, single submitter. Criteria: ACMG Guidelines, 2015. Collection method: clinical testing. Allele origin: germline.

GeneDx
Classification: Uncertain significance. Last evaluated: 2015-09-29. Review status: criteria provided, single submitter. Criteria: GeneDx Variant Classification (06012015). Collection method: clinical testing. Allele origin: germline. Affected: yes.
Comment: The S7715R variant in the SYNE1 gene has not been reported previously as a pathogenic variant, nor as a benign variant, to our knowledge. The S7715R variant was not observed in approximately 6,500 individuals of European and African American ancestry in the NHLBI Exome Sequencing Project, indicating it is not a common benign variant in these populations. The S7715R variant is a semi-conservative amino acid substitution, which may impact secondary protein structure as these residues differ in some properties. This substitution occurs at a position where amino acids with similar properties to Serine are tolerated across species. In silico analysis predicts this variant is probably damaging to the protein structure/function. We interpret S7715R as a variant of uncertain significance.